The following is an entry in ClinVar:

NM_130839.5(UBE3A):c.2516C>T (p.Thr839Ile)

Genes: SNHG14 (small nucleolar RNA host gene 14; plus strand), UBE3A (ubiquitin protein ligase E3A; minus strand). Cytogenetic location: 15q11.2.
Variant type: single nucleotide variant.
Coding change: c.2516C>T on transcript NM_130839.5 (MANE Select); coding-DNA position 2516, C replaced by T.
Protein change: p.Thr839Ile; replaces threonine 839 with isoleucine.
Molecular consequence: missense variant. On other transcripts: non-coding transcript variant (1).
Genome position (GRCh38, 1-based): chr15:25,339,240, G>A on the plus strand (C>T on the coding strand, the complement: UBE3A is on the minus strand). VCF-style: chr15-25339240-G-A. GRCh37 (hg19) VCF-style: chr15-25584387-G-A.
Other names: c.2525C>T, p.Thr842Ile (NM_000462.5); c.2516C>T, p.Thr839Ile (NM_001354505.1, NM_001354538.2); c.2456C>T, p.Thr819Ile (NM_001354506.2, NM_001354507.2, NM_001354508.2 and 14 more transcripts); c.2291C>T, p.Thr764Ile (NM_001354549.2); c.1265C>T, p.Thr422Ile (NM_001354550.2); c.1205C>T, p.Thr402Ile (NM_001354551.2); c.2360C>T, p.Thr787Ile (NM_001354545.2); c.2339C>T, p.Thr780Ile (NM_001354546.2); and 1 more; short protein forms T764I, T780I, T819I, T402I, T422I, T767I, T787I, T839I.
Identifiers: ClinVar variation 1791550 (VCV001791550.4), dbSNP rs2552181707, ClinGen allele CA391350696.

ClinVar aggregate classification (germline): Uncertain significance. Review status: criteria provided, multiple submitters, no conflicts (2 of 4 stars). 2 submissions from 2 submitters: Uncertain significance (2). Last evaluated 2025-04-07.

Conditions:
Inborn genetic diseases. Identifiers: MedGen C0950123, MeSH D030342.
Angelman syndrome (AS). Also called: HAPPY PUPPET SYNDROME. Identifiers: Orphanet 72, MedGen C0162635, MONDO:0007113, OMIM 105830. Disease mechanism: loss of function. Inheritance: AS is caused by disruption of maternally imprinted UBE3A located within the 15q11.2-q13 Angelman syndrome/Prader-Willi syndrome (AS/PWS) region., imprinting disorder.

Submissions (2):

Labcorp Genetics (formerly Invitae), Labcorp
Classification: Uncertain significance for Angelman syndrome. Last evaluated: 2025-04-07. Review status: criteria provided, single submitter. Criteria: Invitae Variant Classification Sherloc (09022015). Collection method: clinical testing. Allele origin: germline.
Comment: This sequence change replaces threonine, which is neutral and polar, with isoleucine, which is neutral and non-polar, at codon 819 of the UBE3A protein (p.Thr819Ile). This variant is not present in population databases (gnomAD no frequency). This variant has not been reported in the literature in individuals affected with UBE3A-related conditions. ClinVar contains an entry for this variant (Variation ID: 1791550). Invitae Evidence Modeling of protein sequence and biophysical properties (such as structural, functional, and spatial information, amino acid conservation, physicochemical variation, residue mobility, and thermodynamic stability) indicates that this missense variant is expected to disrupt UBE3A protein function with a positive predictive value of 80%. In summary, the available evidence is currently insufficient to determine the role of this variant in disease. Therefore, it has been classified as a Variant of Uncertain Significance.

Ambry Genetics
Classification: Uncertain significance for Inborn genetic diseases. Last evaluated: 2017-11-15. Review status: criteria provided, single submitter. Criteria: Ambry Variant Classification Scheme 2023. Collection method: clinical testing. Allele origin: germline.
Comment: The p.T819I variant (also known as c.2456C>T), located in coding exon 10 of the UBE3A gene, results from a C to T substitution at nucleotide position 2456. The threonine at codon 819 is replaced by isoleucine, an amino acid with similar properties. This amino acid position is highly conserved in available vertebrate species. In addition, this alteration is predicted to be deleterious by in silico analysis. Since supporting evidence is limited at this time, the clinical significance of this alteration remains unclear.